The following is an entry in ClinVar:

ClinVar aggregate classification (germline): Benign (0 of 4 stars; one submission).

Conditions:
YBX1-related disorder. Also called: YBX1-related condition.

Allele frequency attached by ClinVar (database versions not stated): gnomAD exomes 0.00017; ExAC 0.00048; 1000 Genomes Project 0.00140; gnomAD 0.00149; TOPMed 0.00161; 1000 Genomes Project 30x 0.00187; ESP Exome Variant Server 0.00192.
gnomAD v4.1: 482 of 1,614,014 alleles (0.03%); highest among the groups gnomAD compares: African/African-American, 0.58%; 2 homozygotes.

Submission:

PreventionGenetics, part of Exact Sciences
Classification: Benign for YBX1-related condition. Last evaluated: 2020-06-23. Review status: no assertion criteria provided. Collection method: clinical testing. Allele origin: germline.
Comment: This variant is classified as benign based on ACMG/AMP sequence variant interpretation guidelines (Richards et al. 2015 PMID: 25741868, with internal and published modifications).

NM_004559.5(YBX1):c.680G>T (p.Gly227Val)

Gene: YBX1 (Y-box binding protein 1; plus strand). Cytogenetic location: 1p34.2.
Variant type: single nucleotide variant.
Coding change: c.680G>T on transcript NM_004559.5 (MANE Select); coding-DNA position 680, G replaced by T.
Protein change: p.Gly227Val; replaces glycine 227 with valine.
Molecular consequence: missense variant. On other transcripts: non-coding transcript variant (1).
Genome position (GRCh38, 1-based): chr1:42,697,202, G>T. VCF-style: chr1-42697202-G-T. GRCh37 (hg19) VCF-style: chr1-43162873-G-T.
Other names: short protein forms G227V.
Identifiers: ClinVar variation 3053036 (VCV003053036.2), dbSNP rs148020196, ClinGen allele CA801198.